The following is an entry in ClinVar:

ClinVar aggregate classification (germline): Conflicting classifications of pathogenicity. Review status: criteria provided, conflicting classifications (1 of 4 stars). 4 submissions from 4 submitters: Likely pathogenic (1); Uncertain significance (2). 1 of the submissions does not count toward it. Last evaluated 2026-02-26.

Conditions:
Hereditary breast ovarian cancer syndrome. Also called: Hereditary breast and ovarian cancer syndrome; Hereditary breast and ovarian cancer; Hereditary breast and ovarian cancer syndrome (HBOC); Breast and ovarian cancer; Hereditary breast and/or ovarian cancer syndrome; BRCA1- and BRCA2-Associated Hereditary Breast and Ovarian Cancer. Identifiers: Orphanet 145, MedGen C0677776, MeSH D061325, MONDO:0003582. Disease mechanism: loss of function.
Inherited breast cancer and ovarian cancer.
Breast-ovarian cancer, familial, susceptibility to, 2 (BROVCA2). Also called: BRCA2 Hereditary Breast and Ovarian Cancer. Identifiers: Orphanet 145, MedGen C2675520, MONDO:0012933, OMIM 612555. Disease mechanism: loss of function.

Allele frequency attached by ClinVar (database versions not stated): gnomAD exomes below 0.00001.
gnomAD v4.1: 1 of 1,614,062 alleles (0.000062%); highest among the groups gnomAD compares: Non-Finnish European, 0.000085%; no homozygotes.

Submissions (4):

NHS Central & South Genomic Laboratory Hub
Classification: Likely pathogenic for Inherited breast cancer and ovarian cancer. Last evaluated: 2026-02-26. Review status: criteria provided, single submitter. Criteria: ACMG Guidelines, 2015. Collection method: clinical testing. Allele origin: germline. Affected: yes.

Labcorp Genetics (formerly Invitae), Labcorp
Classification: Uncertain significance for Hereditary breast ovarian cancer syndrome. Last evaluated: 2024-08-01. Review status: criteria provided, single submitter. Criteria: Invitae Variant Classification Sherloc (09022015). Collection method: clinical testing. Allele origin: germline.
Comment: This sequence change replaces serine, which is neutral and polar, with phenylalanine, which is neutral and non-polar, at codon 2691 of the BRCA2 protein (p.Ser2691Phe). This variant is not present in population databases (gnomAD no frequency). This missense change has been observed in individual(s) with ovarian cancer (PMID: 27208206). ClinVar contains an entry for this variant (Variation ID: 52497). Advanced modeling of protein sequence and biophysical properties (such as structural, functional, and spatial information, amino acid conservation, physicochemical variation, residue mobility, and thermodynamic stability) performed at Invitae indicates that this missense variant is not expected to disrupt BRCA2 protein function with a negative predictive value of 95%. Experimental studies are conflicting or provide insufficient evidence to determine the effect of this variant on BRCA2 function (PMID: 29394989, 35736817). In summary, the available evidence is currently insufficient to determine the role of this variant in disease. Therefore, it has been classified as a Variant of Uncertain Significance.

Clinical Genetics Laboratory, Skane University Hospital Lund
Classification: Uncertain significance. Last evaluated: 2022-05-27. Review status: criteria provided, single submitter. Criteria: ACMG Guidelines, 2015. Collection method: clinical testing. Allele origin: germline. Affected: yes.

Breast Cancer Information Core (BIC) (BRCA2)
Classification: Uncertain significance for Breast-ovarian cancer, familial 2. Last evaluated: 2000-11-10. Review status: no assertion criteria provided. Collection method: clinical testing. Allele origin: germline. Affected: yes. Observed: 1 variant allele. Not counted in ClinVar's aggregate classification.

Literature cited by the submitters: PubMed 27208206 (cited by Labcorp Genetics (formerly Invitae), Labcorp); PubMed 29394989 (cited by Labcorp Genetics (formerly Invitae), Labcorp); PubMed 35736817 (cited by Labcorp Genetics (formerly Invitae), Labcorp).

NM_000059.4(BRCA2):c.8072C>T (p.Ser2691Phe)

Gene: BRCA2 (BRCA2 DNA repair associated; plus strand). Cytogenetic location: 13q13.1.
Variant type: single nucleotide variant.
Coding change: c.8072C>T on transcript NM_000059.4 (MANE Select); coding-DNA position 8072, C replaced by T.
Protein change: p.Ser2691Phe; replaces serine 2691 with phenylalanine.
Molecular consequence: missense variant.
Genome position (GRCh38, 1-based): chr13:32,363,274, C>T. VCF-style: chr13-32363274-C-T. GRCh37 (hg19) VCF-style: chr13-32937411-C-T.
Other names: short protein forms S2691F.
Identifiers: ClinVar variation 52497 (VCV000052497.12), dbSNP rs80359047, ClinGen allele CA025440.